The following is an entry in ClinVar:

ClinVar aggregate classification (germline): Uncertain significance (1 of 4 stars; one submission).

Submission:

CeGaT Center for Human Genetics Tuebingen
Classification: Uncertain significance. Last evaluated: 2022-03-01. Review status: criteria provided, single submitter. Criteria: CeGaT Center For Human Genetics Tuebingen Variant Classification Criteria Version 2. Collection method: clinical testing. Allele origin: germline. Affected: yes. Observed: 1 variant allele.
Comment: MAST1: PM2, PS2:Moderate, PP2

NM_014975.3(MAST1):c.578T>A (p.Met193Lys)

Genes: MAST1 (microtubule associated serine/threonine kinase 1; plus strand), LOC117125587 (CRISPRi-FlowFISH-validated KLF1 and PRDX2 regulatory element; plus strand). Cytogenetic location: 19p13.13.
Variant type: single nucleotide variant.
Coding change: c.578T>A on transcript NM_014975.3 (MANE Select); coding-DNA position 578, T replaced by A.
Protein change: p.Met193Lys; replaces methionine 193 with lysine.
Molecular consequence: missense variant.
Genome position (GRCh38, 1-based): chr19:12,847,861, T>A. VCF-style: chr19-12847861-T-A. GRCh37 (hg19) VCF-style: chr19-12958675-T-A.
Other names: short protein forms M193K.
Identifiers: ClinVar variation 1675723 (VCV001675723.33), dbSNP rs2145890714, ClinGen allele CA404260881.